The following is an entry in ClinVar:

NM_003718.5(CDK13):c.452C>G (p.Ser151Cys)

Genes: CDK13 (cyclin dependent kinase 13; plus strand), LOC129998292 (ATAC-STARR-seq lymphoblastoid silent region 18115; plus strand). Cytogenetic location: 7p14.1.
Variant type: single nucleotide variant.
Coding change: c.452C>G on transcript NM_003718.5 (MANE Select); coding-DNA position 452, C replaced by G.
Protein change: p.Ser151Cys; replaces serine 151 with cysteine.
Molecular consequence: missense variant.
Genome position (GRCh38, 1-based): chr7:39,951,093, C>G. VCF-style: chr7-39951093-C-G. GRCh37 (hg19) VCF-style: chr7-39990692-C-G.
Other names: c.452C>G, p.Ser151Cys (NM_031267.4); short protein forms S151C.
Identifiers: ClinVar variation 3682766 (VCV003682766.2).

ClinVar aggregate classification (germline): Uncertain significance (1 of 4 stars; one submission).

gnomAD v4.1: 1 of 1,260,610 alleles (0.000079%); highest among the groups gnomAD compares: Non-Finnish European, 0.0001%; no homozygotes.

Submission:

Labcorp Genetics (formerly Invitae), Labcorp
Classification: Uncertain significance. Last evaluated: 2024-02-22. Review status: criteria provided, single submitter. Criteria: Invitae Variant Classification Sherloc (09022015). Collection method: clinical testing. Allele origin: germline.
Comment: This sequence change replaces serine, which is neutral and polar, with cysteine, which is neutral and slightly polar, at codon 151 of the CDK13 protein (p.Ser151Cys). This variant is not present in population databases (gnomAD no frequency). This variant has not been reported in the literature in individuals affected with CDK13-related conditions. Advanced modeling of protein sequence and biophysical properties (such as structural, functional, and spatial information, amino acid conservation, physicochemical variation, residue mobility, and thermodynamic stability) performed at Invitae indicates that this missense variant is expected to disrupt CDK13 protein function with a positive predictive value of 95%. In summary, the available evidence is currently insufficient to determine the role of this variant in disease. Therefore, it has been classified as a Variant of Uncertain Significance.